The following is an entry in ClinVar:

ClinVar aggregate classification (germline): Pathogenic (1 of 4 stars; one submission).

Conditions:
Nemaline myopathy. Also called: Myopathies, Nemaline. Identifiers: Orphanet 607, MedGen C0206157, MONDO:0018958.

Submission:

Broad Center for Mendelian Genomics, Broad Institute of MIT and Harvard
Classification: Pathogenic for Nemaline myopathy. Last evaluated: 2025-03-17. Review status: criteria provided, single submitter. Criteria: ACMG Guidelines, 2015. Collection method: curation. Allele origin: germline. Inheritance: Autosomal recessive inheritance.
Comment: The p.Leu3243IlefsTer6 variant in NEB has been reported, in the compound heterozygous state, in 1 individual with nemaline myopathy (PMID: 25205138), and has been identified in 0.002% (1/44846) of East Asian chromosomes by the Genome Aggregation Database (gnomAD). Although this variant has been seen in the general population in a heterozygous state, its frequency is low enough to be consistent with a recessive carrier frequency. This variant is predicted to cause a frameshift, which alters the protein‚Äôs amino acid sequence beginning at position 3243 and leads to a premature termination codon 6 amino acids downstream. This alteration is then predicted to lead to a truncated or absent protein. Loss of function of the NEB gene is an established disease mechanism in autosomal recessive nemaline myopathy. In summary, this variant meets criteria to be classified as pathogenic for autosomal recessive nemaline myopathy. ACMG/AMP Criteria applied: PVS1, PM2_supporting, PM3_supporting (Richards 2015).

NM_001164508.2(NEB):c.9727_9728del (p.Leu3243fs)

Gene: NEB (nebulin; minus strand). Cytogenetic location: 2q23.3.
Variant type: Microsatellite.
Coding change: c.9727_9728del on transcript NM_001164508.2 (MANE Select); coding-DNA positions 9727 to 9728, 2 bases deleted (CT; older notation c.9727_9728delCT).
Protein change: p.Leu3243fs; shifts the reading frame from leucine 3243.
Molecular consequence: frameshift variant.
Genome position (GRCh38, 1-based): chr2:151,629,642-151,629,643, AG deleted on the plus strand (CT on the coding strand, the reverse complement: NEB is on the minus strand); deleting any 2 consecutive bases within chr2:151,629,642-151,629,645 gives the same sequence; the c. name uses the placement nearest the transcript's 3' end. VCF-style (leftmost placement, unchanged base first): chr2-151629641-TAG-T. GRCh37 (hg19) VCF-style: chr2-152486155-TAG-T.
Other names: NM_001164508.2:c.9727_9728del; c.9727_9728del, p.Leu3243fs (NM_001164507.2, NM_001271208.2); c.8998_8999del, p.Leu3000fs (NM_004543.5); short protein forms L3000fs, L3243fs.
Identifiers: ClinVar variation 3776981 (VCV003776981.1).